The following is an entry in ClinVar:

ClinVar aggregate classification (germline): Conflicting classifications of pathogenicity. Review status: criteria provided, conflicting classifications (1 of 4 stars). 3 submissions from 2 submitters: Uncertain significance (2); Benign (1). Last evaluated 2018-01-12.

Conditions:
Maturity-onset diabetes of the young type 1. Also called: MODY type 1; Diabetes mellitus MODY type 1; MODY HNF4A related; MILD JUVENILE DIABETES MELLITUS; HNF4A-Related Maturity-Onset Diabetes of the Young Type 1; MODY, type I. Identifiers: Orphanet 552, MedGen C1852093, MONDO:0007452, OMIM 125850. Disease mechanism: loss of function.
Maturity-onset diabetes of the young (MODY). Also called: Maturity onset diabetes mellitus in young. Identifiers: Orphanet 552, MedGen C0342276, MONDO:0018911, HP:0004904.
Familial hyperinsulinism. Also called: Congenital hyperinsulinism. Identifiers: Orphanet 276525, MedGen C3888018, MONDO:0017182. Disease mechanism: loss of function.

Allele frequency attached by ClinVar (database versions not stated): gnomAD 0.00012 and 0.00013; TOPMed 0.00014.

Submissions (3):

Illumina Laboratory Services, Illumina
Classification: Uncertain significance for Familial hyperinsulinism. Last evaluated: 2018-01-12. Review status: criteria provided, single submitter. Criteria: ICSL Variant Classification Criteria 13 December 2019. Collection method: clinical testing. Allele origin: germline.

Illumina Laboratory Services, Illumina
Classification: Uncertain significance for Maturity-onset diabetes of the young type 1. Last evaluated: 2018-01-12. Review status: criteria provided, single submitter. Criteria: ICSL Variant Classification Criteria 13 December 2019. Collection method: clinical testing. Allele origin: germline.

Clinical Genomics, Uppaluri K&H Personalized Medicine Clinic
Classification: Benign for Maturity-onset diabetes of the young. Review status: criteria provided, single submitter. Criteria: K & H Uppaluri Personalized Medicine Clinic Variant Classification & Assertion Criteria_Updated V.1. Collection method: research. Allele origin: unknown. Inheritance: Autosomal dominant inheritance.
Comment: Potent mutations in HNF4A are associated with poor insulin secretion in response to hyperglycemia. Associated with MODY1. Patients initially respond well to sulfonylureas but eventually become insulin dependent. However, more evidence is required to ascertain the role of this particular variant rs769165584 in MODY, yet.

Literature cited by the submitters: DOI 10.1159/000334532 (cited by Clinical Genomics, Uppaluri K&H Personalized Medicine Clinic); PubMed 18268044 (cited by Clinical Genomics, Uppaluri K&H Personalized Medicine Clinic); PubMed 17563455 (cited by Clinical Genomics, Uppaluri K&H Personalized Medicine Clinic); PubMed 32583173 (cited by Clinical Genomics, Uppaluri K&H Personalized Medicine Clinic); PubMed 35052457 (cited by Clinical Genomics, Uppaluri K&H Personalized Medicine Clinic); PubMed 35118593 (cited by Clinical Genomics, Uppaluri K&H Personalized Medicine Clinic).

NM_175914.5(HNF4A):c.*1363C>T

Gene: HNF4A (hepatocyte nuclear factor 4 alpha; plus strand). Cytogenetic location: 20q13.12.
Variant type: single nucleotide variant.
Coding change: c.*1363C>T on transcript NM_175914.5 (MANE Select); 1363 bases downstream of the stop codon, C replaced by T.
Molecular consequence: 3 prime UTR variant.
Genome position (GRCh38, 1-based): chr20:44,431,028, C>T. VCF-style: chr20-44431028-C-T. GRCh37 (hg19) VCF-style: chr20-43059668-C-T.
Other names: c.*1363C>T (NM_000457.6, NM_001030003.3, NM_001258355.2 and 3 more transcripts).
Identifiers: ClinVar variation 897281 (VCV000897281.5), dbSNP rs769165584, ClinGen allele CA315421850.